The following is an entry in ClinVar:

NM_000186.4(CFH):c.3647C>A (p.Thr1216Lys)

Gene: CFH (complement factor H; plus strand). Cytogenetic location: 1q31.3.
Variant type: single nucleotide variant.
Coding change: c.3647C>A on transcript NM_000186.4 (MANE Select); coding-DNA position 3647, C replaced by A.
Protein change: p.Thr1216Lys; replaces threonine 1216 with lysine.
Molecular consequence: missense variant.
Genome position (GRCh38, 1-based): chr1:196,747,264, C>A. VCF-style: chr1-196747264-C-A. GRCh37 (hg19) VCF-style: chr1-196716394-C-A.
Other names: short protein forms T1216K.
Identifiers: ClinVar variation 988220 (VCV000988220.1), dbSNP rs1653050051, ClinGen allele CA343988268.
Genomic context (GRCh38, chr1:196,747,264, plus strand): 5'-CAGTTGAATTTGTGTGTAAACGGGGATATCGTCTTTCATCACGTTCTCACACATTGCGAA[C>A]AACATGTTGGGATGGGAAACTGGAGTATCCAACTTGTGCAAAAAGATAGAATCAATCATA-3'
Protein context (NP_000177.2, residues 1206-1226): RLSSRSHTLR[Thr1216Lys]TCWDGKLEYP

ClinVar aggregate classification (germline): Uncertain significance (0 of 4 stars; one submission).

Conditions:
Atypical hemolytic-uremic syndrome. Identifiers: Orphanet 2134, MedGen C2931788, MONDO:0016244.

Submission:

Sydney Genome Diagnostics, Children's Hospital Westmead
Classification: Uncertain significance for Atypical hemolytic-uremic syndrome. Last evaluated: 2019-02-21. Review status: no assertion criteria provided. Collection method: clinical testing. Allele origin: unknown. Affected: yes. Observed: 1 variant allele, 1 heterozygote.
Comment: The variant has not been reported in any population databases (i.e. gnomAD, ExAC, ESP or dbSNP). To our knowledge, this variant has not been previously reported in the literature or any disease specific databases. In silico analysis of pathogenicity (through Alamut Visual v2.8.1) using PolyPhen2, SIFT and MutationTaster suggest that this variant does not affect protein function and is likely to be benign. However, this analysis alone cannot be used to exclude pathogenicity. This variant is considered to be a variant of uncertain clinical significance (VOUS) according to the ACMG guidelines. (Evidence used: PM2, BP4)